The following is an entry in ClinVar:

NM_018489.3(ASH1L):c.326G>A (p.Arg109Gln)

Gene: ASH1L (ASH1 like histone lysine methyltransferase; minus strand). Cytogenetic location: 1q22.
Variant type: single nucleotide variant.
Coding change: c.326G>A on transcript NM_018489.3 (MANE Select); coding-DNA position 326, G replaced by A.
Protein change: p.Arg109Gln; replaces arginine 109 with glutamine.
Molecular consequence: missense variant.
Genome position (GRCh38, 1-based): chr1:155,521,194, C>T on the plus strand (G>A on the coding strand, the complement: ASH1L is on the minus strand). VCF-style: chr1-155521194-C-T. GRCh37 (hg19) VCF-style: chr1-155490985-C-T.
Other names: c.326G>A, p.Arg109Gln (NM_001366177.2); short protein forms R109Q.
Identifiers: ClinVar variation 2581393 (VCV002581393.3), dbSNP rs757357705, ClinGen allele CA342713603.
Genomic context (GRCh38, chr1:155,521,194, plus strand): 5'-GTCATCTTTCCACTTTTAAGTGCTTTCCTTGGGTGCTTAATAGTTGTTTTTATGGCAGGT[C>T]GACATACATAGTTCTCCAAGTTCTTTGGAGGTTTTTTAGTTCTCTTAGCCTGGAGGCCAA-3'
Protein context (NP_060959.2, residues 99-119): PPKNLENYVC[Arg109Gln]PAIKTTIKHP

ClinVar aggregate classification (germline): Likely pathogenic. Review status: criteria provided, single submitter (1 of 4 stars). 2 submissions from 2 submitters: Likely pathogenic (1). 1 of the submissions does not count toward it. Last evaluated 2023-08-27.

Conditions:
Intellectual developmental disorder, autosomal dominant 52. Also called: Mental retardation, autosomal dominant 52; Intellectual disability, autosomal dominant 52. Identifiers: MedGen C4540478, MONDO:0030918, OMIM 617796.

Submissions (2):

Women's Health and Genetics/Laboratory Corporation of America, LabCorp
Classification: Likely pathogenic for Intellectual developmental disorder, autosomal dominant 52. Last evaluated: 2023-08-27. Review status: criteria provided, single submitter. Criteria: LabCorp Variant Classification Summary - May 2015. Collection method: clinical testing. Allele origin: germline.
Comment: Variant summary: ASH1L c.326G>A (p.Arg109Gln) results in a conservative amino acid change in the encoded protein sequence. Three of five in-silico tools predict a damaging effect of the variant on protein function. The variant was absent in 250830 control chromosomes. Predominantly loss of function de novo variants in ASH1L supporting a disease mechanism of haploinsufficiency have been reported in the literature and a definitive association of this gene with syndromic complex neurodevelopmental disorder has been established (ClinGen). To our knowledge, no occurrence of c.326G>A (p.Arg109Gln) in individuals affected with Intellectual Disability, Autosomal Dominant 52 and no experimental evidence demonstrating its impact on protein function have been reported. This variant has been observed as a presumed de-novo occurrence in at-least one proband with features of a complex neurodevelopmental disorder via exome analysis performed at our laboratory. No submitters have cited clinical-significance assessments for this variant to ClinVar after 2014. Based on the evidence outlined above, the variant was classified as likely pathogenic.

Diagnostics Centre, Carl Von Ossietzky University Oldenburg
Classification: Uncertain significance. Last evaluated: 2025-07-01. Review status: no assertion criteria provided. Collection method: clinical testing. Allele origin: germline. Affected: yes. Observed: 1 variant allele. Not counted in ClinVar's aggregate classification.
Comment: The variant ASH1L:c.326G>A p.(Arg109Gln), located in the exon 2 of ASH1L gene results from a guanine-to-adenine substitution at nucleotide position c.326. The arginine at protein position 109 is replaced by a glutamine. Missense variants in this gene or the affected region are a known disease mechanism and are rare in the general population. The affected protein region has significant levels of missense constrain. The variant is classified as rare in the general population (MAF 3 * e-6 in gnomAD v4.1.0). In summary, this variant is classified as variant of uncertain significance.